The following is an entry in ClinVar:

ClinVar aggregate classification (germline): Uncertain significance. Review status: criteria provided, multiple submitters, no conflicts (2 of 4 stars). 2 submissions from 2 submitters: Uncertain significance (2). Last evaluated 2025-11-03.

Conditions:
Inborn genetic diseases. Identifiers: MedGen C0950123, MeSH D030342.
Familial cold autoinflammatory syndrome 2 (FCAS2). Identifiers: Orphanet 247868, MedGen C2673198, MONDO:0012724, OMIM 611762.

Submissions (2):

Labcorp Genetics (formerly Invitae), Labcorp
Classification: Uncertain significance for Familial cold autoinflammatory syndrome 2. Last evaluated: 2025-11-03. Review status: criteria provided, single submitter. Criteria: Invitae Variant Classification Sherloc (09022015). Collection method: clinical testing. Allele origin: germline.
Comment: This sequence change replaces asparagine, which is neutral and polar, with serine, which is neutral and polar, at codon 457 of the NLRP12 protein (p.Asn457Ser). This variant is not present in population databases (gnomAD no frequency). This variant has not been reported in the literature in individuals affected with NLRP12-related conditions. ClinVar contains an entry for this variant (Variation ID: 999408). Invitae Evidence Modeling of protein sequence and biophysical properties (such as structural, functional, and spatial information, amino acid conservation, physicochemical variation, residue mobility, and thermodynamic stability) indicates that this missense variant is not expected to disrupt NLRP12 protein function with a negative predictive value of 80%. In summary, the available evidence is currently insufficient to determine the role of this variant in disease. Therefore, it has been classified as a Variant of Uncertain Significance.

Ambry Genetics
Classification: Uncertain significance for Inborn genetic diseases. Last evaluated: 2025-10-14. Review status: criteria provided, single submitter. Criteria: Ambry Variant Classification Scheme 2023. Collection method: clinical testing. Allele origin: germline.

NM_144687.4(NLRP12):c.1370A>G (p.Asn457Ser)

Gene: NLRP12 (NLR family pyrin domain containing 12; minus strand). Cytogenetic location: 19q13.42.
Variant type: single nucleotide variant.
Coding change: c.1370A>G on transcript NM_144687.4 (MANE Select); coding-DNA position 1370, A replaced by G.
Protein change: p.Asn457Ser; replaces asparagine 457 with serine.
Molecular consequence: missense variant.
Genome position (GRCh38, 1-based): chr19:53,810,289, T>C on the plus strand (A>G on the coding strand, the complement: NLRP12 is on the minus strand). VCF-style: chr19-53810289-T-C. GRCh37 (hg19) VCF-style: chr19-54313543-T-C.
Other names: c.1370A>G, p.Asn457Ser (NM_001277126.2, NM_001277129.1); c.1370A>G (NM_144687.2); short protein forms N457S.
Identifiers: ClinVar variation 999408 (VCV000999408.11), dbSNP rs2092043814, ClinGen allele CA407413685.